The following is an entry in ClinVar:

NR_027350.2(MIR17HG):n.3717C>A

Gene: MIR17HG (miR-17-92a-1 cluster host gene; plus strand). Cytogenetic location: 13q31.3.
Variant type: single nucleotide variant.
Genome position: GRCh38 VCF-style: chr13-91353141-C-A. GRCh37 (hg19) VCF-style: chr13-92005395-C-A.
Identifiers: ClinVar variation 3032970 (VCV003032970.2), dbSNP rs1875410050, ClinGen allele CA958841949.

ClinVar aggregate classification (germline): Likely benign (0 of 4 stars; one submission).

Conditions:
MIR17HG-related disorder. Also called: MIR17HG-related condition.

Submission:

PreventionGenetics, part of Exact Sciences
Classification: Likely benign for MIR17HG-related condition. Last evaluated: 2023-08-30. Review status: no assertion criteria provided. Collection method: clinical testing. Allele origin: germline.
Comment: This variant is classified as likely benign based on ACMG/AMP sequence variant interpretation guidelines (Richards et al. 2015 PMID: 25741868, with internal and published modifications).